The following is an entry in ClinVar:

ClinVar aggregate classification (germline): Uncertain significance (1 of 4 stars; one submission).

Conditions:
Episodic ataxia type 2 (EA2). Also called: ACETAZOLAMIDE-RESPONSIVE HEREDITARY PAROXYSMAL CEREBELLAR ATAXIA; ATAXIA, EPISODIC, WITH NYSTAGMUS; ATAXIA, FAMILIAL PAROXYSMAL; CEREBELLAR ATAXIA, PAROXYSMAL, ACETAZOLAMIDE-RESPONSIVE; CEREBELLOPATHY, HEREDITARY PAROXYSMAL; EPISODIC ATAXIA, NYSTAGMUS-ASSOCIATED. Identifiers: Orphanet 97, MedGen C1720416, MONDO:0007163, OMIM 108500.
Developmental and epileptic encephalopathy, 42 (DEE42A). Also called: EPILEPTIC ENCEPHALOPATHY, EARLY INFANTILE, 42A; DEVELOPMENTAL AND EPILEPTIC ENCEPHALOPATHY 42A; Epileptic encephalopathy, early infantile, 42. Identifiers: MedGen C4310716, MONDO:0014917, OMIM 617106.

Submission:

Labcorp Genetics (formerly Invitae), Labcorp
Classification: Uncertain significance for Developmental and epileptic encephalopathy, 42; Episodic ataxia type 2. Last evaluated: 2023-12-11. Review status: criteria provided, single submitter. Criteria: Invitae Variant Classification Sherloc (09022015). Collection method: clinical testing. Allele origin: germline.
Comment: This sequence change replaces glutamine, which is neutral and polar, with arginine, which is basic and polar, at codon 313 of the CACNA1A protein (p.Gln313Arg). This variant is not present in population databases (gnomAD no frequency). This variant has not been reported in the literature in individuals affected with CACNA1A-related conditions. ClinVar contains an entry for this variant (Variation ID: 2121612). Advanced modeling of protein sequence and biophysical properties (such as structural, functional, and spatial information, amino acid conservation, physicochemical variation, residue mobility, and thermodynamic stability) performed at Invitae indicates that this missense variant is expected to disrupt CACNA1A protein function with a positive predictive value of 95%. In summary, the available evidence is currently insufficient to determine the role of this variant in disease. Therefore, it has been classified as a Variant of Uncertain Significance.

NM_001127222.2(CACNA1A):c.938A>G (p.Gln313Arg)

Gene: CACNA1A (calcium voltage-gated channel subunit alpha1 A; minus strand). Cytogenetic location: 19p13.13.
Variant type: single nucleotide variant.
Coding change: c.938A>G on transcript NM_001127222.2 (MANE Select); coding-DNA position 938, A replaced by G.
Protein change: p.Gln313Arg; replaces glutamine 313 with arginine.
Molecular consequence: missense variant.
Genome position (GRCh38, 1-based): chr19:13,359,646, T>C on the plus strand (A>G on the coding strand, the complement: CACNA1A is on the minus strand). VCF-style: chr19-13359646-T-C. GRCh37 (hg19) VCF-style: chr19-13470460-T-C.
Other names: c.938A>G, p.Gln313Arg (NM_000068.4, NM_001127221.2, NM_001174080.2 and 1 more transcripts); short protein forms Q313R.
Identifiers: ClinVar variation 2121612 (VCV002121612.4), dbSNP rs2513151813, ClinGen allele CA404347009.